The following is an entry in ClinVar:

NM_000209.4(PDX1):c.384C>A (p.His128Gln)

Gene: PDX1 (pancreatic and duodenal homeobox 1; plus strand). Cytogenetic location: 13q12.2.
Variant type: single nucleotide variant.
Coding change: c.384C>A on transcript NM_000209.4 (MANE Select); coding-DNA position 384, C replaced by A.
Protein change: p.His128Gln; replaces histidine 128 with glutamine.
Molecular consequence: missense variant.
Genome position (GRCh38, 1-based): chr13:27,920,522, C>A. VCF-style: chr13-27920522-C-A. GRCh37 (hg19) VCF-style: chr13-28494659-C-A.
Other names: short protein forms H128Q.
Identifiers: ClinVar variation 3350813 (VCV003350813.1).

ClinVar aggregate classification (germline): Uncertain significance (0 of 4 stars; one submission).

Conditions:
PDX1-related disorder. Also called: PDX1-related disorders; PDX1-related condition.

Submission:

PreventionGenetics, part of Exact Sciences
Classification: Uncertain significance for PDX1-related condition. Last evaluated: 2024-08-05. Review status: no assertion criteria provided. Collection method: clinical testing. Allele origin: germline.
Comment: The PDX1 c.384C>A variant is predicted to result in the amino acid substitution p.His128Gln. To our knowledge, this variant has not been reported in the literature. This variant is reported in 0.0% of alleles in individuals of African descent in gnomAD. At this time, the clinical significance of this variant is uncertain due to the absence of conclusive functional and genetic evidence.